The following is an entry in ClinVar:

NM_080680.3(COL11A2):c.3313-11C>T

Gene: COL11A2 (collagen type XI alpha 2 chain; minus strand). Cytogenetic location: 6p21.32.
Variant type: single nucleotide variant.
Coding change: c.3313-11C>T on transcript NM_080680.3 (MANE Select); 11 bases into the intron before coding-DNA position 3313, C replaced by T.
Molecular consequence: intron variant.
Genome position (GRCh38, 1-based): chr6:33,171,178, G>A on the plus strand (C>T on the coding strand, the complement: COL11A2 is on the minus strand). VCF-style: chr6-33171178-G-A. GRCh37 (hg19) VCF-style: chr6-33138955-G-A.
Other names: c.2992-11C>T (NM_080679.3); c.3055-11C>T (NM_080681.3).
Identifiers: ClinVar variation 46566 (VCV000046566.31), dbSNP rs2855437, ClinGen allele CA138631.
Genomic context (GRCh38, chr6:33,171,178, plus strand): 5'-GCTCCAGGCTGCCCCACAGGACCAATGGGTCCAGGGGGTCCAGGAGGGCCCTGGGTAAGA[G>A]AAGAGAGTCAGAGACACCAAAACAGGGAGAGAGATCAGGTGGGACTGAGGTTAAAGGCCA-3'

ClinVar aggregate classification (germline): Benign. Review status: criteria provided, multiple submitters, no conflicts (2 of 4 stars). 18 submissions from 13 submitters: Benign (14). 4 of the submissions do not count toward it. Last evaluated 2026-05-08.

Conditions:
Fibrochondrogenesis 2 (FBCG2). Identifiers: Orphanet 2021, MedGen C3281128, MONDO:0013795, OMIM 614524.
Autosomal recessive nonsyndromic hearing loss 53. Identifiers: Orphanet 90636, MedGen C1864746, MONDO:0012333, OMIM 609706.
Autosomal dominant nonsyndromic hearing loss 13. Identifiers: Orphanet 90635, MedGen C1866095, MONDO:0011159, OMIM 601868.
Otospondylomegaepiphyseal dysplasia, autosomal recessive (OSMEDB). Also called: CHONDRODYSTROPHY WITH SENSORINEURAL DEAFNESS; Insley-Astley syndrome. Identifiers: Orphanet 1427, MedGen CN034493, MONDO:0044206, OMIM 215150.
Otospondylomegaepiphyseal dysplasia, autosomal dominant (OSMEDA). Also called: COL11A2-Related Stickler Syndrome; Stickler syndrome, type 3; Pierre Robin syndrome with fetal chondrodysplasia. Identifiers: Orphanet 166100, Orphanet 3450, MedGen C1848488, MONDO:0008490, OMIM 184840.

Allele frequency attached by ClinVar (database versions not stated): gnomAD exomes 0.70749 and 0.74434; ESP Exome Variant Server 0.72193; gnomAD 0.73560 and 0.74095; TOPMed 0.74513; ExAC 0.75628; 1000 Genomes Project 0.80531; 1000 Genomes Project 30x 0.80715.
gnomAD v4.1: 1,144,403 of 1,610,246 alleles (71%); highest among the groups gnomAD compares: East Asian, 94%; 409,716 homozygotes.

Submissions (18):

Women's Health and Genetics/Laboratory Corporation of America, LabCorp
Classification: Benign. Last evaluated: 2026-05-08. Review status: criteria provided, single submitter. Criteria: LabCorp Variant Classification Summary - May 2015. Collection method: clinical testing. Allele origin: germline.

Labcorp Genetics (formerly Invitae), Labcorp
Classification: Benign. Last evaluated: 2026-02-04. Review status: criteria provided, single submitter. Criteria: Invitae Variant Classification Sherloc (09022015). Collection method: clinical testing. Allele origin: germline.

Blueprint Genetics
Classification: Benign. Last evaluated: 2024-11-27. Review status: criteria provided, single submitter. Criteria: ACMG Guidelines, 2015. Collection method: clinical testing. Allele origin: germline.

Genome-Nilou Lab
Classification: Benign for Autosomal dominant nonsyndromic hearing loss 13. Last evaluated: 2021-07-22. Review status: criteria provided, single submitter. Criteria: ACMG Guidelines, 2015. Collection method: clinical testing. Allele origin: germline. Affected: no.

Genome-Nilou Lab
Classification: Benign for Autosomal recessive nonsyndromic hearing loss 53. Last evaluated: 2021-07-22. Review status: criteria provided, single submitter. Criteria: ACMG Guidelines, 2015. Collection method: clinical testing. Allele origin: germline. Affected: no.

Genome-Nilou Lab
Classification: Benign for Fibrochondrogenesis 2. Last evaluated: 2021-07-22. Review status: criteria provided, single submitter. Criteria: ACMG Guidelines, 2015. Collection method: clinical testing. Allele origin: germline. Affected: no.

Genome-Nilou Lab
Classification: Benign for Otospondylomegaepiphyseal dysplasia, autosomal dominant. Last evaluated: 2021-07-22. Review status: criteria provided, single submitter. Criteria: ACMG Guidelines, 2015. Collection method: clinical testing. Allele origin: germline. Affected: no.

Genome-Nilou Lab
Classification: Benign for Otospondylomegaepiphyseal dysplasia, autosomal recessive. Last evaluated: 2021-07-22. Review status: criteria provided, single submitter. Criteria: ACMG Guidelines, 2015. Collection method: clinical testing. Allele origin: germline. Affected: no.

Illumina Laboratory Services, Illumina
Classification: Benign for Fibrochondrogenesis 2. Last evaluated: 2018-01-13. Review status: criteria provided, single submitter. Criteria: ICSL Variant Classification Criteria 13 December 2019. Collection method: clinical testing. Allele origin: germline.
Comment: This variant was observed in the ICSL laboratory as part of a predisposition screen in an ostensibly healthy population. It had not been previously curated by ICSL or reported in the Human Gene Mutation Database (HGMD: prior to June 1st, 2018), and was therefore a candidate for classification through an automated scoring system. Utilizing variant allele frequency, disease prevalence and penetrance estimates, and inheritance mode, an automated score was calculated to assess if this variant is too frequent to cause the disease. Based on the score and internal cut-off values, a variant classified as benign is not then subjected to further curation. The score for this variant resulted in a classification of benign for this disease.

Illumina Laboratory Services, Illumina
Classification: Benign for Otospondylomegaepiphyseal dysplasia, autosomal recessive. Last evaluated: 2018-01-13. Review status: criteria provided, single submitter. Criteria: ICSL Variant Classification Criteria 13 December 2019. Collection method: clinical testing. Allele origin: germline.
Comment: the same text as in the submission from Illumina Laboratory Services, Illumina above.

GeneDx
Classification: Benign. Last evaluated: 2016-09-29. Review status: criteria provided, single submitter. Criteria: GeneDx Variant Classification (06012015). Collection method: clinical testing. Allele origin: germline. Affected: yes.
Comment: This variant is considered likely benign or benign based on one or more of the following criteria: it is a conservative change, it occurs at a poorly conserved position in the protein, it is predicted to be benign by multiple in silico algorithms, and/or has population frequency not consistent with disease.

Eurofins Ntd Llc (ga)
Classification: Benign. Last evaluated: 2016-03-21. Review status: criteria provided, single submitter. Criteria: EGL Classification Definitions 2015. Collection method: clinical testing. Allele origin: germline. Observed: 2 variant alleles, 1 heterozygote, 1 homozygote.

Laboratory for Molecular Medicine, Mass General Brigham Personalized Medicine
Classification: Benign. Last evaluated: 2012-05-07. Review status: criteria provided, single submitter. Criteria: LMM Criteria. Collection method: clinical testing. Allele origin: germline. Observed: 1,320 variant alleles.
Comment: 3313-11C>T in Intron 44 of COL11A2: This variant is not expected to have clinica l significance because it has been identified in 31.5% (2213/7016) of European A merican chromosomes from a broad population by the NHLBI Exome Sequencing Projec t (dbSNP rs2855437).

PreventionGenetics, part of Exact Sciences
Classification: Benign. Review status: criteria provided, single submitter. Criteria: ACMG Guidelines, 2015. Collection method: clinical testing. Allele origin: germline.

Clinical Genetics DNA and cytogenetics Diagnostics Lab, Erasmus MC, Erasmus Medical Center
Classification: Benign. Review status: no assertion criteria provided. Collection method: clinical testing. Allele origin: germline. Affected: yes. Study: VKGL Data-share Consensus. Not counted in ClinVar's aggregate classification.

Diagnostic Laboratory, Department of Genetics, University Medical Center Groningen
Classification: Benign. Review status: no assertion criteria provided. Collection method: clinical testing. Allele origin: germline. Affected: yes. Study: VKGL Data-share Consensus. Not counted in ClinVar's aggregate classification.

Genome Diagnostics Laboratory, Amsterdam University Medical Center
Classification: Benign. Review status: no assertion criteria provided. Collection method: clinical testing. Allele origin: germline. Affected: yes. Study: VKGL Data-share Consensus. Not counted in ClinVar's aggregate classification.

Joint Genome Diagnostic Labs from Nijmegen and Maastricht, Radboudumc and MUMC+
Classification: Benign. Review status: no assertion criteria provided. Collection method: clinical testing. Allele origin: germline. Affected: yes. Study: VKGL Data-share Consensus. Not counted in ClinVar's aggregate classification.